The following is an entry in ClinVar:

NM_003482.4(KMT2D):c.15871G>A (p.Glu5291Lys)

Gene: KMT2D (lysine methyltransferase 2D; minus strand). Cytogenetic location: 12q13.12.
Variant type: single nucleotide variant.
Coding change: c.15871G>A on transcript NM_003482.4 (MANE Select); coding-DNA position 15871, G replaced by A.
Protein change: p.Glu5291Lys; replaces glutamic acid 5291 with lysine.
Molecular consequence: missense variant.
Genome position (GRCh38, 1-based): chr12:49,024,860, C>T on the plus strand (G>A on the coding strand, the complement: KMT2D is on the minus strand). VCF-style: chr12-49024860-C-T. GRCh37 (hg19) VCF-style: chr12-49418643-C-T.
Other names: short protein forms E5291K.
Identifiers: ClinVar variation 1000878 (VCV001000878.6), dbSNP rs936142615, ClinGen allele CA236631510.

ClinVar aggregate classification (germline): Uncertain significance. Review status: criteria provided, multiple submitters, no conflicts (2 of 4 stars). 2 submissions from 2 submitters: Uncertain significance (2). Last evaluated 2021-08-27.

Conditions:
Kabuki syndrome. Also called: Kabuki make-up syndrome; NIIKAWA-KUROKI SYNDROME. Identifiers: Orphanet 2322, MedGen C0796004, MONDO:0016512.
Choanal atresia-athelia-hypothyroidism-delayed puberty-short stature syndrome (BCAHH). Also called: BRANCHIAL ARCH ABNORMALITIES, CHOANAL ATRESIA, ATHELIA, HEARING LOSS, AND HYPOTHYROIDISM SYNDROME. Identifiers: Orphanet 589856, MedGen C5680310, MONDO:0035651, OMIM 620186.
Kabuki syndrome 1 (KABUK1). Also called: KMT2D-Related Kabuki Syndrome. Identifiers: Orphanet 2322, MedGen CN030661, MONDO:0007843, OMIM 147920.

Submissions (2):

Labcorp Genetics (formerly Invitae), Labcorp
Classification: Uncertain significance for Kabuki syndrome. Last evaluated: 2021-08-27. Review status: criteria provided, single submitter. Criteria: Invitae Variant Classification Sherloc (09022015). Collection method: clinical testing. Allele origin: germline.

Juno Genomics, Hangzhou Juno Genomics, Inc
Classification: Uncertain significance for Choanal atresia-athelia-hypothyroidism-delayed puberty-short stature syndrome; Kabuki syndrome 1. Review status: criteria provided, single submitter. Criteria: ACMG Guidelines, 2015. Collection method: clinical testing. Allele origin: germline.
Comment: Absent from controls (or at extremely low frequency if recessive) in Genome Aggregation Database.;Missense variant in a gene that has a low rate of benign missense variation.